The following is an entry in ClinVar:

NM_005458.8(GABBR2):c.2276G>A (p.Arg759Gln)

Gene: GABBR2 (gamma-aminobutyric acid type B receptor subunit 2; minus strand). Cytogenetic location: 9q22.33.
Variant type: single nucleotide variant.
Coding change: c.2276G>A on transcript NM_005458.8 (MANE Select); coding-DNA position 2276, G replaced by A.
Protein change: p.Arg759Gln; replaces arginine 759 with glutamine.
Molecular consequence: missense variant.
Genome position (GRCh38, 1-based): chr9:98,303,377, C>T on the plus strand (G>A on the coding strand, the complement: GABBR2 is on the minus strand). VCF-style: chr9-98303377-C-T. GRCh37 (hg19) VCF-style: chr9-101065659-C-T.
Other names: short protein forms R759Q.
Identifiers: ClinVar variation 1054635 (VCV001054635.9), dbSNP rs2131350185, ClinGen allele CA374197925.

ClinVar aggregate classification (germline): Uncertain significance (1 of 4 stars; one submission).

Conditions:
Epileptic encephalopathy. Identifiers: MedGen C0543888, HP:0200134.

Allele frequency attached by ClinVar (database versions not stated): gnomAD exomes below 0.00001.
gnomAD v4.1: 2 of 1,614,092 alleles (0.00012%); highest among the groups gnomAD compares: Non-Finnish European, 0.00017%; no homozygotes.

Submission:

Labcorp Genetics (formerly Invitae), Labcorp
Classification: Uncertain significance for Epileptic encephalopathy. Last evaluated: 2020-06-22. Review status: criteria provided, single submitter. Criteria: Invitae Variant Classification Sherloc (09022015). Collection method: clinical testing. Allele origin: germline.
Comment: This sequence change replaces arginine with glutamine at codon 759 of the GABBR2 protein (p.Arg759Gln). The arginine residue is highly conserved and there is a small physicochemical difference between arginine and glutamine. This variant is not present in population databases (ExAC no frequency). This variant has not been reported in the literature in individuals with GABBR2-related conditions. Algorithms developed to predict the effect of missense changes on protein structure and function (SIFT, PolyPhen-2, Align-GVGD) all suggest that this variant is likely to be disruptive, but these predictions have not been confirmed by published functional studies and their clinical significance is uncertain. In summary, the available evidence is currently insufficient to determine the role of this variant in disease. Therefore, it has been classified as a Variant of Uncertain Significance.